The following is an entry in ClinVar:

ClinVar aggregate classification (germline): Uncertain significance. Review status: criteria provided, multiple submitters, no conflicts (2 of 4 stars). 2 submissions from 2 submitters: Uncertain significance (2). Last evaluated 2025-06-27.

Conditions:
Fanconi anemia complementation group O. Also called: RAD51C-Related Fanconi Anemia. Identifiers: Orphanet 84, MedGen C3150653, MONDO:0013248, OMIM 613390.

Submissions (2):

Labcorp Genetics (formerly Invitae), Labcorp
Classification: Uncertain significance for Fanconi anemia complementation group O. Last evaluated: 2025-06-27. Review status: criteria provided, single submitter. Criteria: Invitae Variant Classification Sherloc (09022015). Collection method: clinical testing. Allele origin: germline.
Comment: This sequence change replaces leucine, which is neutral and non-polar, with valine, which is neutral and non-polar, at codon 301 of the RAD51C protein (p.Leu301Val). This variant is not present in population databases (gnomAD no frequency). This variant has not been reported in the literature in individuals affected with RAD51C-related conditions. ClinVar contains an entry for this variant (Variation ID: 1677190). Invitae Evidence Modeling of protein sequence and biophysical properties (such as structural, functional, and spatial information, amino acid conservation, physicochemical variation, residue mobility, and thermodynamic stability) indicates that this missense variant is expected to disrupt RAD51C protein function with a positive predictive value of 80%. In summary, the available evidence is currently insufficient to determine the role of this variant in disease. Therefore, it has been classified as a Variant of Uncertain Significance.

Women's Health and Genetics/Laboratory Corporation of America, LabCorp
Classification: Uncertain significance. Last evaluated: 2022-03-24. Review status: criteria provided, single submitter. Criteria: LabCorp Variant Classification Summary - May 2015. Collection method: clinical testing. Allele origin: germline.

NM_058216.3(RAD51C):c.901T>G (p.Leu301Val)

Gene: RAD51C (RAD51 paralog C; plus strand). Cytogenetic location: 17q22.
Variant type: single nucleotide variant.
Coding change: c.901T>G on transcript NM_058216.3 (MANE Select); coding-DNA position 901, T replaced by G.
Protein change: p.Leu301Val; replaces leucine 301 with valine.
Molecular consequence: missense variant. On other transcripts: non-coding transcript variant (1).
Genome position (GRCh38, 1-based): chr17:58,720,809, T>G. VCF-style: chr17-58720809-T-G. GRCh37 (hg19) VCF-style: chr17-56798170-T-G.
Other names: short protein forms L301V.
Identifiers: ClinVar variation 1677190 (VCV001677190.3), dbSNP rs2143932190, ClinGen allele CA400359815.